The following is an entry in ClinVar:

ClinVar aggregate classification (germline): Likely benign. Review status: criteria provided, single submitter (1 of 4 stars). 2 submissions from 2 submitters: Likely benign (1). 1 of the submissions does not count toward it. Last evaluated 2024-08-30.

Conditions:
FAN1-related disorder. Also called: FAN1-related condition.

Allele frequency attached by ClinVar (database versions not stated): gnomAD exomes 0.00001; ExAC 0.00004; TOPMed 0.00009; gnomAD 0.00011.
gnomAD v4.1: 29 of 1,610,234 alleles (0.0018%); highest among the groups gnomAD compares: African/African-American, 0.035%; no homozygotes.

Submissions (2):

Labcorp Genetics (formerly Invitae), Labcorp
Classification: Likely benign. Last evaluated: 2024-08-30. Review status: criteria provided, single submitter. Criteria: Invitae Variant Classification Sherloc (09022015). Collection method: clinical testing. Allele origin: germline.

PreventionGenetics, part of Exact Sciences
Classification: Likely benign for FAN1-related condition. Last evaluated: 2022-03-31. Review status: no assertion criteria provided. Collection method: clinical testing. Allele origin: germline. Not counted in ClinVar's aggregate classification.
Comment: This variant is classified as likely benign based on ACMG/AMP sequence variant interpretation guidelines (Richards et al. 2015 PMID: 25741868, with internal and published modifications).

NM_014967.5(FAN1):c.2593-4A>G

Genes: FAN1 (FANCD2 and FANCI associated nuclease 1; plus strand), MTMR10 (myotubularin related protein 10; minus strand). Cytogenetic location: 15q13.3.
Variant type: single nucleotide variant.
Coding change: c.2593-4A>G on transcript NM_014967.5 (MANE Select); 4 bases into the intron before coding-DNA position 2593, A replaced by G.
Molecular consequence: intron variant.
Genome position (GRCh38, 1-based): chr15:30,929,199, A>G. VCF-style: chr15-30929199-A-G. GRCh37 (hg19) VCF-style: chr15-31221402-A-G.
Identifiers: ClinVar variation 3032648 (VCV003032648.4), dbSNP rs768067584, ClinGen allele CA7450716.